The following is an entry in ClinVar:

ClinVar aggregate classification (germline): Likely pathogenic (1 of 4 stars; one submission).

Conditions:
SLX4-related disorder. Also called: SLX4-related condition.

Submission:

PreventionGenetics, part of Exact Sciences
Classification: Likely pathogenic for SLX4-related condition. Last evaluated: 2024-10-16. Review status: criteria provided, single submitter. Criteria: ACMG Guidelines, 2015. Collection method: clinical testing. Allele origin: germline.
Comment: The SLX4 c.3708_3711delGCTG variant is predicted to result in a frameshift and premature protein termination (p.Trp1236Cysfs*51). To our knowledge, this variant has not been reported in the literature or in a large population database (gnomAD), indicating this variant is rare. Frameshift variants in SLX4 are expected to be pathogenic. This variant is interpreted as likely pathogenic.

NM_032444.4(SLX4):c.3708_3711del (p.Trp1236fs)

Gene: SLX4 (SLX4 structure-specific endonuclease subunit; minus strand). Cytogenetic location: 16p13.3.
Variant type: Deletion.
Coding change: c.3708_3711del on transcript NM_032444.4 (MANE Select); coding-DNA positions 3708 to 3711, 4 bases deleted (GCTG; older notation c.3708_3711delGCTG).
Protein change: p.Trp1236fs; shifts the reading frame from tryptophan 1236.
Molecular consequence: frameshift variant.
Genome position (GRCh38, 1-based): chr16:3,589,927-3,589,930, CAGC deleted on the plus strand (GCTG on the coding strand, the reverse complement: SLX4 is on the minus strand); deleting any 4 consecutive bases within chr16:3,589,927-3,589,933 gives the same sequence; the c. name uses the placement nearest the transcript's 3' end. VCF-style (leftmost placement, unchanged base first): chr16-3589926-ACAGC-A. GRCh37 (hg19) VCF-style: chr16-3639927-ACAGC-A.
Other names: short protein forms W1236fs.
Identifiers: ClinVar variation 5002041 (VCV005002041.1).